The following is an entry in ClinVar:

NM_020631.6(PLEKHG5):c.2160_2163delinsA (p.Glu723del)

Gene: PLEKHG5 (pleckstrin homology and RhoGEF domain containing G5; minus strand). Cytogenetic location: 1p36.31.
Variant type: Indel.
Coding change: c.2160_2163delinsA on transcript NM_020631.6 (MANE Select); coding-DNA positions 2160 to 2163, GGAG replaced by A.
Protein change: p.Glu723del; deletes glutamic acid 723.
Molecular consequence: inframe deletion. On other transcripts: inframe indel (4).
Genome position (GRCh38, 1-based): chr1:6,469,128-6,469,131, CTCC replaced by T on the plus strand (GGAG replaced by A on the coding strand, the reverse complement: PLEKHG5 is on the minus strand). VCF-style: chr1-6469128-CTCC-T. GRCh37 (hg19) VCF-style: chr1-6529188-CTCC-T.
Other names: c.2271_2274delinsA, p.Glu760del (NM_001042663.3, NM_001265592.2); c.2160_2163delGGAGinsA, p.Glu723del (NM_001042664.2, NM_001042665.2, NM_001265594.3); c.2367_2370delGGAGinsA, p.Glu792del (NM_001265593.2); c.2160_2163delinsA, p.Glu723del (NM_198681.4); short protein forms E723del, E792del, E760del.
Identifiers: ClinVar variation 2501239 (VCV002501239.2), dbSNP rs386628081, ClinGen allele CA17234893.
Genomic context (GRCh38, chr1:6,469,128, plus strand): 5'-GCTTTTCCGCATGATGGTAGGGGAGCTGGCAGCTGAAGTGCCACTGTCCTCGCCTTCCTC[CTCC>T]TCCTCCTCCTCCTCCTCTTCCTCCTCCTGCTCATCCTCCTCCTCTTCCAGGCTCTGCAGG-3'

ClinVar aggregate classification (germline): Conflicting classifications of pathogenicity. Review status: criteria provided, conflicting classifications (1 of 4 stars). 2 submissions from 2 submitters: Uncertain significance (1); Benign (1). Last evaluated 2024-04-16.

Submissions (2):

GeneDx
Classification: Uncertain significance. Last evaluated: 2024-04-16. Review status: criteria provided, single submitter. Criteria: GeneDx Variant Classification Process June 2021. Collection method: clinical testing. Allele origin: germline. Affected: yes.
Comment: Not observed at significant frequency in large population cohorts (gnomAD); In-frame deletion of 1 amino acids in a repetitive region with no known function; Has not been previously published as pathogenic or benign to our knowledge

Women's Health and Genetics/Laboratory Corporation of America, LabCorp
Classification: Benign. Last evaluated: 2023-03-15. Review status: criteria provided, single submitter. Criteria: LabCorp Variant Classification Summary - May 2015. Collection method: clinical testing. Allele origin: germline.
Comment: Variant summary: PLEKHG5 c.2160_2163delinsA (p.Glu723del) results in an in-frame deletion that is predicted to remove one amino acid from the encoded protein. The variant allele was not found in gnomAD but the same residual change (p.Glu72del) at a frequency of 0.088 in 145232 control chromosomes, predominantly at a frequency of 0.18 within the African or African-American subpopulation in the gnomAD database, including 509 homozygotes. The observed variant frequency within African or African-American control individuals in the gnomAD database is approximately 161 fold of the estimated maximal expected allele frequency for a pathogenic variant in PLEKHG5 causing Distal Spinal Muscular Atrophy, Autosomal Recessive 4 phenotype (0.0011), strongly suggesting that the variant is a benign polymorphism found primarily in populations of African or African-American origin. To our knowledge, no occurrence of c.2160_2163delinsA in individuals affected with Distal Spinal Muscular Atrophy, Autosomal Recessive 4 and no experimental evidence demonstrating its impact on protein function have been reported. One clinical diagnostic laboratory has submitted clinical-significance assessments for this variant to ClinVar after 2014 without evidence for independent evaluation and classified the variant as benign. Based on the evidence outlined above, the variant was classified as benign.